The following is an entry in ClinVar:

ClinVar aggregate classification (germline): Uncertain significance (1 of 4 stars; one submission).

Conditions:
Fanconi anemia (FA). Also called: Fanconi's anemia. Identifiers: Orphanet 84, MedGen C0015625, MeSH D005199, MONDO:0019391.

Submission:

Labcorp Genetics (formerly Invitae), Labcorp
Classification: Uncertain significance for Fanconi anemia. Last evaluated: 2022-02-20. Review status: criteria provided, single submitter. Criteria: Invitae Variant Classification Sherloc (09022015). Collection method: clinical testing. Allele origin: germline.
Comment: This variant, c.4286_4300dup, results in the insertion of 5 amino acid(s) of the FANCA protein (p.Asp1429_Ser1433dup), but otherwise preserves the integrity of the reading frame. This variant is present in population databases (rs765072800, gnomAD 0.0009%). This variant has not been reported in the literature in individuals affected with FANCA-related conditions. Algorithms developed to predict the effect of sequence changes on RNA splicing suggest that this variant may create or strengthen a splice site. In summary, the available evidence is currently insufficient to determine the role of this variant in disease. Therefore, it has been classified as a Variant of Uncertain Significance.

NM_000135.4(FANCA):c.4286_4300dup (p.Ser1433_Ala1434insAspProGluValSer)

Genes: FANCA (FA complementation group A; minus strand), ZNF276 (zinc finger protein 276; plus strand). Cytogenetic location: 16q24.3.
Variant type: Duplication.
Coding change: c.4286_4300dup on transcript NM_000135.4 (MANE Select); coding-DNA positions 4286 to 4300, 15 bases duplicated (ACCCAGAGGTGAGCG).
Protein change: p.Ser1433_Ala1434insAspProGluValSer.
Molecular consequence: inframe insertion. On other transcripts: 3 prime UTR variant (3), non-coding transcript variant (4).
Genome position (GRCh38, 1-based): chr16:89,738,669-89,738,683, CGCTCACCTCTGGGT duplicated on the plus strand (ACCCAGAGGTGAGCG on the coding strand, the reverse complement: FANCA is on the minus strand); duplicating any 15 consecutive bases within chr16:89,738,669-89,738,686 gives the same sequence; the c. name uses the placement nearest the transcript's 3' end. VCF-style (leftmost placement, unchanged base first): chr16-89738668-G-GCGCTCACCTCTGGGT. GRCh37 (hg19) VCF-style: chr16-89805076-G-GCGCTCACCTCTGGGT.
Other names: c.*15_*29dup (NM_001286167.3); c.*426_*440dup (NM_001113525.2, NM_152287.4).
Identifiers: ClinVar variation 2072408 (VCV002072408.1), dbSNP rs765072800, ClinGen allele CA8250582.